The following is an entry in ClinVar:

ClinVar aggregate classification (germline): Pathogenic (1 of 4 stars; one submission).

Submission:

Labcorp Genetics (formerly Invitae), Labcorp
Classification: Pathogenic. Last evaluated: 2022-01-12. Review status: criteria provided, single submitter. Criteria: Invitae Variant Classification Sherloc (09022015). Collection method: clinical testing. Allele origin: germline.
Comment: For these reasons, this variant has been classified as Pathogenic. This variant has not been reported in the literature in individuals affected with CDH3-related conditions. This variant is a gross deletion of the genomic region encompassing exon(s) 1-2 of the CDH3 gene, which includes the initiator codon. This deletion extends beyond the assayed region for this gene and therefore may encompass additional genes. It is expected to result in an absent or disrupted protein product. Loss-of-function variants in CDH3 are known to be pathogenic (PMID: 15805154, 27386845, 29620724).

Literature cited by the submitters: PubMed 15805154; PubMed 27386845; PubMed 29620724.

NC_000016.9:g.(?_68679283)_(68679673_?)del

Gene: CDH3 (cadherin 3; plus strand). Cytogenetic location: 16q22.1.
Variant type: Deletion.
Identifiers: ClinVar variation 1460035 (VCV001460035.5).